The following is an entry in ClinVar:

ClinVar aggregate classification (germline): Uncertain significance (1 of 4 stars; one submission).

Conditions:
Cardiovascular phenotype. Identifiers: MedGen CN230736.

Submission:

Ambry Genetics
Classification: Uncertain significance for Cardiovascular phenotype. Last evaluated: 2022-02-11. Review status: criteria provided, single submitter. Criteria: Ambry Variant Classification Scheme 2023. Collection method: clinical testing. Allele origin: germline.
Comment: The p.R495K variant (also known as c.1484G>A), located in coding exon 8 of the TBX1 gene, results from a G to A substitution at nucleotide position 1484. The arginine at codon 495 is replaced by lysine, an amino acid with highly similar properties. This amino acid position is conserved. In addition, the in silico prediction for this alteration is inconclusive. Since supporting evidence is limited at this time, the clinical significance of this alteration remains unclear.

NM_001379200.1(TBX1):c.1511G>A (p.Arg504Lys)

Gene: TBX1 (T-box transcription factor 1; plus strand). Cytogenetic location: 22q11.21.
Variant type: single nucleotide variant.
Coding change: c.1511G>A on transcript NM_001379200.1 (MANE Select); coding-DNA position 1511, G replaced by A.
Protein change: p.Arg504Lys; replaces arginine 504 with lysine.
Molecular consequence: missense variant. On other transcripts: intron variant (2).
Genome position (GRCh38, 1-based): chr22:19,766,863, G>A. VCF-style: chr22-19766863-G-A. GRCh37 (hg19) VCF-style: chr22-19754386-G-A.
Other names: c.1484G>A, p.Arg495Lys (NM_080647.1); c.1009+861G>A (NM_005992.1, NM_080646.2); short protein forms R495K, R504K.
Identifiers: ClinVar variation 1773637 (VCV001773637.2), dbSNP rs926713371, ClinGen allele CA410685834.
Genomic context (GRCh38, chr22:19,766,863, plus strand): 5'-CCGCCAACATGTACTCGTCGGCCGGAGCCGCGCCGCCCGGCTCCTACGACTATTGCCCCA[G>A]ATAACACGGGCCCTGTCGCGCTCCCGCCCCGGTCCTGCACAGCCCCGAAGTTCGCCGGGC-3'
Protein context (NP_001366129.1, residues 494-504): APPGSYDYCP[Arg504Lys]